The following is an entry in ClinVar:

ClinVar aggregate classification (germline): Uncertain significance. Review status: criteria provided, multiple submitters, no conflicts (2 of 4 stars). 2 submissions from 2 submitters: Uncertain significance (2). Last evaluated 2026-06-26.

Conditions:
Hereditary cancer-predisposing syndrome. Also called: Hereditary Cancer Syndrome; Tumor predisposition; Neoplastic Syndromes, Hereditary; Hereditary neoplastic syndrome. Identifiers: Orphanet 140162, MedGen C0027672, MeSH D009386, MONDO:0015356.

Submissions (2):

Ambry Genetics
Classification: Uncertain significance for Hereditary cancer-predisposing syndrome. Last evaluated: 2026-06-26. Review status: criteria provided, single submitter. Criteria: Ambry Variant Classification Scheme 2023. Collection method: clinical testing. Allele origin: germline.
Comment: The p.V150L variant (also known as c.448G>T), located in coding exon 4 of the RAD50 gene, results from a G to T substitution at nucleotide position 448. The valine at codon 150 is replaced by leucine, an amino acid with highly similar properties. This amino acid position is conserved. In addition, the in silico prediction for this alteration is inconclusive. Based on the available evidence, the clinical significance of this variant remains unclear.

Labcorp Genetics (formerly Invitae), Labcorp
Classification: Uncertain significance for Hereditary cancer-predisposing syndrome. Last evaluated: 2021-05-03. Review status: criteria provided, single submitter. Criteria: Invitae Variant Classification Sherloc (09022015). Collection method: clinical testing. Allele origin: germline.
Comment: In summary, the available evidence is currently insufficient to determine the role of this variant in disease. Therefore, it has been classified as a Variant of Uncertain Significance. This sequence change replaces valine with leucine at codon 150 of the RAD50 protein (p.Val150Leu). The valine residue is highly conserved and there is a small physicochemical difference between valine and leucine. Algorithms developed to predict the effect of missense changes on protein structure and function are either unavailable or do not agree on the potential impact of this missense change (SIFT: "Deleterious"; PolyPhen-2: "Probably Damaging"; Align-GVGD: "Class C0"). This variant has not been reported in the literature in individuals with RAD50-related conditions. This variant is not present in population databases (ExAC no frequency).

NM_005732.4(RAD50):c.448G>T (p.Val150Leu)

Gene: RAD50 (RAD50 double strand break repair protein; plus strand). Cytogenetic location: 5q31.1.
Variant type: single nucleotide variant.
Coding change: c.448G>T on transcript NM_005732.4 (MANE Select); coding-DNA position 448, G replaced by T.
Protein change: p.Val150Leu; replaces valine 150 with leucine.
Molecular consequence: missense variant.
Genome position (GRCh38, 1-based): chr5:132,579,399, G>T. VCF-style: chr5-132579399-G-T. GRCh37 (hg19) VCF-style: chr5-131915091-G-T.
Other names: c.448G>T (NM_005732.3); short protein forms V150L.
Identifiers: ClinVar variation 1488215 (VCV001488215.9), dbSNP rs1580987224, ClinGen allele CA360934093.